The following is an entry in ClinVar:

ClinVar aggregate classification (germline): Pathogenic (1 of 4 stars; one submission).

Conditions:
Peroxisome biogenesis disorder. Identifiers: Orphanet 79189, MedGen C1832200, MONDO:0019234. Disease mechanism: loss of function.

Submission:

Myriad Genetics, Inc.
Classification: Pathogenic for Peroxisome biogenesis disorder. Last evaluated: 2024-04-15. Review status: criteria provided, single submitter. Criteria: Myriad Autosomal Dominant, Autosomal Recessive and X-Linked Classification Criteria (2023). Collection method: clinical testing. Allele origin: unknown.
Comment: NM_000466.2(PEX1):c.1370dupT(S458Kfs*2) is expected to be pathogenic in the context of peroxisome biogenesis disorder type 1. This variant is predicted to lead to an abnormal or absent protein product due to the creation of a premature termination codon in PEX1, a gene where loss-of-function variants are known to be pathogenic. Please note: this variant was assessed in the context of healthy population screening.

NM_000466.3(PEX1):c.1370dup (p.Ser458fs)

Gene: PEX1 (peroxisomal biogenesis factor 1; minus strand). Cytogenetic location: 7q21.2.
Variant type: Duplication.
Coding change: c.1370dup on transcript NM_000466.3 (MANE Select); coding-DNA position 1370, one base duplicated (T; older notation c.1370dupT).
Protein change: p.Ser458fs; shifts the reading frame from serine 458.
Molecular consequence: frameshift variant.
Genome position (GRCh38, 1-based): chr7:92,511,693, A duplicated on the plus strand (T on the coding strand, the reverse complement: PEX1 is on the minus strand). VCF-style (leftmost placement, unchanged base first): chr7-92511692-T-TA. GRCh37 (hg19) VCF-style: chr7-92141006-T-TA.
Other names: c.1370dup, p.Ser458fs (NM_001282677.2); c.746dup, p.Ser250fs (NM_001282678.2); short protein forms S250fs, S458fs.
Identifiers: ClinVar variation 5014565 (VCV005014565.1).